The following is an entry in ClinVar:

NM_000016.6(ACADM):c.247G>T (p.Glu83Ter)

Gene: ACADM (acyl-CoA dehydrogenase medium chain; plus strand). Cytogenetic location: 1p31.1.
Variant type: single nucleotide variant.
Coding change: c.247G>T on transcript NM_000016.6 (MANE Select); coding-DNA position 247, G replaced by T.
Protein change: p.Glu83Ter; replaces glutamic acid 83 with a stop codon.
Molecular consequence: nonsense. On other transcripts: 5 prime UTR variant (1).
Genome position (GRCh38, 1-based): chr1:75,732,883, G>T. VCF-style: chr1-75732883-G-T. GRCh37 (hg19) VCF-style: chr1-76198568-G-T.
Other names: c.259G>T, p.Glu87Ter (NM_001127328.3); c.139G>T, p.Glu47Ter (NM_001286042.2); c.247G>T, p.Glu83Ter (NM_001286043.2); c.-139G>T (NM_001286044.2); short protein forms E47*, E83*, E87*.
Identifiers: ClinVar variation 4064313 (VCV004064313.2).
Genomic context (GRCh38, chr1:75,732,883, plus strand): 5'-TATATTTTAACTCAGTTCTTTTTCTTCTAGTATCCAGTCCCCCTAATTAGAAGAGCCTGG[G>T]AACTTGGTTTAATGAACACACACATTCCAGAGAACTGTGGTAAGCTTTCTTTATATTTTT-3'

ClinVar aggregate classification (germline): Likely pathogenic (1 of 4 stars; one submission).

Conditions:
Medium-chain acyl-coenzyme A dehydrogenase deficiency (ACADMD). Also called: ACADM DEFICIENCY; CARNITINE DEFICIENCY SECONDARY TO MEDIUM-CHAIN ACYL-CoA DEHYDROGENASE DEFICIENCY; MCADH DEFICIENCY; MCADD; Medium chain acyl-CoA dehydrogenase deficiency; MCAD Deficiency. Identifiers: Orphanet 42, MedGen C0220710, MONDO:0008721, OMIM 201450.

Submission:

Natera, Inc.
Classification: Likely pathogenic for Medium Chain Acyl-CoA Dehydrogenase Deficiency. Last evaluated: 2025-05-27. Review status: criteria provided, single submitter. Criteria: Natera Variant Classification Schema (03/2026). Collection method: clinical testing. Allele origin: germline.
Comment: The c.247G>T variant in ACADM is a nonsense variant predicted to introduce a stop codon at amino acid 83. This variant is expected to result in nonsense mediated decay, truncation, or a dysfunctional protein product. This variant is rare in the general population with a frequency below the threshold expected for the associated phenotype(s). Given the available evidence, this variant is classified as Likely Pathogenic.